The following is an entry in ClinVar:

NM_001961.4(EEF2):c.460G>T (p.Val154Leu)

Gene: EEF2 (eukaryotic translation elongation factor 2; minus strand). Cytogenetic location: 19p13.3.
Variant type: single nucleotide variant.
Coding change: c.460G>T on transcript NM_001961.4 (MANE Select); coding-DNA position 460, G replaced by T.
Protein change: p.Val154Leu; replaces valine 154 with leucine.
Molecular consequence: missense variant.
Genome position (GRCh38, 1-based): chr19:3,982,959, C>A on the plus strand (G>T on the coding strand, the complement: EEF2 is on the minus strand). VCF-style: chr19-3982959-C-A. GRCh37 (hg19) VCF-style: chr19-3982957-C-A.
Other names: short protein forms V154L.
Identifiers: ClinVar variation 3506777 (VCV003506777.4).

ClinVar aggregate classification (germline): Uncertain significance. Review status: criteria provided, multiple submitters, no conflicts (2 of 4 stars). 3 submissions from 3 submitters: Uncertain significance (3). Last evaluated 2024-09-27.

gnomAD v4.1: 15 of 1,612,972 alleles (0.00093%); highest among the groups gnomAD compares: Non-Finnish European, 0.0013%; no homozygotes.

Submissions (3):

Labcorp Genetics (formerly Invitae), Labcorp
Classification: Uncertain significance. Last evaluated: 2024-09-27. Review status: criteria provided, single submitter. Criteria: Invitae Variant Classification Sherloc (09022015). Collection method: clinical testing. Allele origin: germline.
Comment: This sequence change replaces valine, which is neutral and non-polar, with leucine, which is neutral and non-polar, at codon 154 of the EEF2 protein (p.Val154Leu). This variant is present in population databases (rs777864719, gnomAD 0.004%). This variant has not been reported in the literature in individuals affected with EEF2-related conditions. Invitae Evidence Modeling of protein sequence and biophysical properties (such as structural, functional, and spatial information, amino acid conservation, physicochemical variation, residue mobility, and thermodynamic stability) indicates that this missense variant is not expected to disrupt EEF2 protein function with a negative predictive value of 80%. In summary, the available evidence is currently insufficient to determine the role of this variant in disease. Therefore, it has been classified as a Variant of Uncertain Significance.

Ambry Genetics
Classification: Uncertain significance. Last evaluated: 2024-08-14. Review status: criteria provided, single submitter. Criteria: Ambry Variant Classification Scheme 2023. Collection method: clinical testing. Allele origin: germline.

Blueprint Genetics
Classification: Uncertain significance. Last evaluated: 2024-07-09. Review status: criteria provided, single submitter. Criteria: ACMG Guidelines, 2015. Collection method: clinical testing. Allele origin: germline.